The following is an entry in ClinVar:

ClinVar aggregate classification (germline): Uncertain significance (1 of 4 stars; one submission).

Allele frequency attached by ClinVar (database versions not stated): gnomAD exomes 0.00001; gnomAD 0.00001; TOPMed 0.00001; ExAC 0.00001.

Submission:

Labcorp Genetics (formerly Invitae), Labcorp
Classification: Uncertain significance. Last evaluated: 2025-03-17. Review status: criteria provided, single submitter. Criteria: Invitae Variant Classification Sherloc (09022015). Collection method: clinical testing. Allele origin: germline.
Comment: This sequence change replaces alanine, which is neutral and non-polar, with valine, which is neutral and non-polar, at codon 536 of the MMP14 protein (p.Ala536Val). This variant is present in population databases (rs758484236, gnomAD 0.004%). This variant has not been reported in the literature in individuals affected with MMP14-related conditions. ClinVar contains an entry for this variant (Variation ID: 2981884). An algorithm developed to predict the effect of missense changes on protein structure and function outputs the following: PolyPhen-2: "Benign". The valine amino acid residue is found in multiple mammalian species, which suggests that this missense change does not adversely affect protein function. In summary, the available evidence is currently insufficient to determine the role of this variant in disease. Therefore, it has been classified as a Variant of Uncertain Significance.

NM_004995.4(MMP14):c.1607C>T (p.Ala536Val)

Gene: MMP14 (matrix metallopeptidase 14; plus strand). Cytogenetic location: 14q11.2.
Variant type: single nucleotide variant.
Coding change: c.1607C>T on transcript NM_004995.4 (MANE Select); coding-DNA position 1607, C replaced by T.
Protein change: p.Ala536Val; replaces alanine 536 with valine.
Molecular consequence: missense variant.
Genome position (GRCh38, 1-based): chr14:22,845,897, C>T. VCF-style: chr14-22845897-C-T. GRCh37 (hg19) VCF-style: chr14-23315106-C-T.
Other names: short protein forms A536V.
Identifiers: ClinVar variation 2981884 (VCV002981884.3), dbSNP rs758484236, ClinGen allele CA7105525.